The following is an entry in ClinVar:

NM_022455.5(NSD1):c.6152-5T>G

Gene: NSD1 (nuclear receptor binding SET domain protein 1; plus strand). Cytogenetic location: 5q35.3.
Variant type: single nucleotide variant.
Coding change: c.6152-5T>G on transcript NM_022455.5 (MANE Select); 5 bases into the intron before coding-DNA position 6152, T replaced by G.
Molecular consequence: intron variant.
Genome position (GRCh38, 1-based): chr5:177,288,814, T>G. VCF-style: chr5-177288814-T-G. GRCh37 (hg19) VCF-style: chr5-176715815-T-G.
Other names: c.6152-5T>G (NM_001409301.1, NM_001409302.1, NM_001409303.1); c.5732-5T>G (NM_001409304.1); c.5399-5T>G (NM_001409305.1); c.5390-5T>G (NM_001409306.1, NM_001409307.1); c.5279-5T>G (NM_001409308.1, NM_172349.5, NM_001365684.2); c.5137-3140T>G (NM_001409309.1).
Identifiers: ClinVar variation 573155 (VCV000573155.10), dbSNP rs755758018, ClinGen allele CA891843272.

ClinVar aggregate classification (germline): Pathogenic/Likely pathogenic. Review status: criteria provided, multiple submitters, no conflicts (2 of 4 stars). 2 submissions from 2 submitters: Pathogenic (1); Likely pathogenic (1). Last evaluated 2025-08-01.

Submissions (2):

GeneDx
Classification: Likely pathogenic. Last evaluated: 2025-08-01. Review status: criteria provided, single submitter. Criteria: GeneDx Variant Classification Process June 2021. Collection method: clinical testing. Allele origin: germline. Affected: yes.
Comment: Not observed at significant frequency in large population cohorts (gnomAD); In silico analysis supports a deleterious effect on splicing; This variant is associated with the following publications: (PMID: 32286744, 31479583)

Labcorp Genetics (formerly Invitae), Labcorp
Classification: Pathogenic. Last evaluated: 2023-10-11. Review status: criteria provided, single submitter. Criteria: Invitae Variant Classification Sherloc (09022015). Collection method: clinical testing. Allele origin: germline.
Comment: This sequence change falls in intron 20 of the NSD1 gene. It does not directly change the encoded amino acid sequence of the NSD1 protein. This variant is not present in population databases (gnomAD no frequency). This variant has been observed in individual(s) with clinical features of Sotos syndrome (Invitae). In at least one individual the variant was observed to be de novo. ClinVar contains an entry for this variant (Variation ID: 573155). Algorithms developed to predict the effect of sequence changes on RNA splicing suggest that this variant may disrupt the consensus splice site. For these reasons, this variant has been classified as Pathogenic.